The following is an entry in ClinVar:

ClinVar aggregate classification (germline): Pathogenic (1 of 4 stars; one submission).

Submission:

Athena Diagnostics
Classification: Pathogenic. Last evaluated: 2022-07-26. Review status: criteria provided, single submitter. Criteria: Athena Diagnostics Criteria. Collection method: clinical testing. Allele origin: unknown.
Comment: Similar deletions of exons 8-17 have been identified in multiple individuals with clinical features associated with this gene. Similar variants have not been reported in large, multi-ethnic general populations. The variant is located in a region that is considered important for protein function and/or structure.

Literature cited by the submitters: PubMed 17098887; PubMed 26671083; PubMed 17345589; PubMed 26165777.

Single allele

Gene: SPAST (spastin; plus strand). Cytogenetic location: 2p22.3.
Variant type: Deletion.
Identifiers: ClinVar variation 1256422 (VCV001256422.2).